The following is an entry in ClinVar:

ClinVar aggregate classification (germline): Benign (1 of 4 stars; one submission).

Conditions:
Colorectal cancer, hereditary nonpolyposis, type 7. Identifiers: Orphanet 144, MedGen C1858380, MONDO:0013725, OMIM 614385.

Submission:

Myriad Genetics, Inc.
Classification: Benign for Colorectal cancer, hereditary nonpolyposis, type 7. Last evaluated: 2026-04-29. Review status: criteria provided, single submitter. Criteria: Myriad Autosomal Dominant, Autosomal Recessive and X-Linked Classification Criteria (2023). Collection method: clinical testing. Allele origin: unknown.
Comment: This variant is considered benign. This variant is a silent/synonymous amino acid change and it is not expected to impact splicing.

NM_001040108.2(MLH3):c.942C>T (p.Phe314=)

Gene: MLH3 (mutL homolog 3; minus strand). Cytogenetic location: 14q24.3.
Variant type: single nucleotide variant.
Coding change: c.942C>T on transcript NM_001040108.2 (MANE Select); coding-DNA position 942, C replaced by T.
Protein change: p.Phe314=; no amino-acid change (phenylalanine 314 retained).
Molecular consequence: synonymous variant.
Genome position (GRCh38, 1-based): chr14:75,048,714, G>A on the plus strand (C>T on the coding strand, the complement: MLH3 is on the minus strand). VCF-style: chr14-75048714-G-A. GRCh37 (hg19) VCF-style: chr14-75515417-G-A.
Other names: c.942C>T, p.Phe314= (NM_014381.3).
Identifiers: ClinVar variation 4875877 (VCV004875877.1).